The following is an entry in ClinVar:

NM_000156.6(GAMT):c.24del (p.Ile9fs)

Genes: GAMT (guanidinoacetate N-methyltransferase; minus strand), LOC130062945 (ATAC-STARR-seq lymphoblastoid silent region 9707; plus strand). Cytogenetic location: 19p13.3.
Variant type: Deletion.
Coding change: c.24del on transcript NM_000156.6 (MANE Select); coding-DNA position 24, one base deleted (C; older notation c.24delC).
Protein change: p.Ile9fs; shifts the reading frame from isoleucine 9.
Molecular consequence: frameshift variant.
Genome position (GRCh38, 1-based): chr19:1,401,453, G deleted on the plus strand (C on the coding strand, the reverse complement: GAMT is on the minus strand); the first of 5 consecutive G bases (chr19:1,401,453-1,401,457); deleting any one gives the same sequence. VCF-style (leftmost placement, unchanged base first): chr19-1401452-TG-T. GRCh37 (hg19) VCF-style: chr19-1401451-TG-T.
Other names: c.24del, p.Ile9fs (NM_138924.3); c.24delC (NM_000156.5, NM_000156.6); short protein forms I9fs.
Identifiers: ClinVar variation 850261 (VCV000850261.20), dbSNP rs967689898, ClinGen allele CA304067361.

ClinVar aggregate classification (germline): Pathogenic/Likely pathogenic. Review status: criteria provided, multiple submitters, no conflicts (2 of 4 stars). 7 submissions from 7 submitters: Pathogenic (3); Likely pathogenic (4). Last evaluated 2026-04-08.

Conditions:
Cerebral creatine deficiency syndrome. Also called: Creatine deficiency syndromes. Identifiers: Orphanet 79172, MedGen C5244016, MONDO:0000456.
Inborn genetic diseases. Identifiers: MedGen C0950123, MeSH D030342.
GAMT-related disorder. Also called: GAMT-related condition.
Deficiency of guanidinoacetate methyltransferase (CCDS2). Also called: CEREBRAL CREATINE DEFICIENCY SYNDROME 2; Guanidinoacetate Methyltransferase (GAMT) Deficiency; GAMT DEFICIENCY. Identifiers: Orphanet 382, MedGen C0574080, MONDO:0012999, OMIM 612736.

Submissions (7):

Dasa
Classification: Likely pathogenic. Last evaluated: 2026-04-08. Review status: criteria provided, single submitter. Criteria: DASA Assertion Criteria. Collection method: clinical testing. Allele origin: germline.
Comment: NM_000156.6(GAMT):c.24del (p.Ile9Serfs*33) is a frameshift variant in GAMT predicted to alter the reading frame and introduce a premature termination codon and is predicted to result in an absent or altered protein product. Loss of function is an established disease mechanism for GAMT-associated disorders. Also, this variant is rare in population databases. Based on the currently available evidence, this variant is classified as likely pathogenic.

GeneDx
Classification: Likely pathogenic. Last evaluated: 2025-12-26. Review status: criteria provided, single submitter. Criteria: GeneDx Variant Classification Process June 2021. Collection method: clinical testing. Allele origin: germline. Affected: yes.
Comment: Frameshift variant predicted to result in protein truncation or nonsense mediated decay in a gene for which loss of function is a known mechanism of disease; Not observed at significant frequency in large population cohorts (gnomAD); Has not been previously published as pathogenic or benign to our knowledge

Labcorp Genetics (formerly Invitae), Labcorp
Classification: Pathogenic for Cerebral creatine deficiency syndrome. Last evaluated: 2025-06-17. Review status: criteria provided, single submitter. Criteria: Invitae Variant Classification Sherloc (09022015). Collection method: clinical testing. Allele origin: germline.
Comment: This sequence change creates a premature translational stop signal (p.Ile9Serfs*33) in the GAMT gene. It is expected to result in an absent or disrupted protein product. Loss-of-function variants in GAMT are known to be pathogenic (PMID: 15108290). This variant is present in population databases (no rsID available, gnomAD 0.02%). This variant has not been reported in the literature in individuals affected with GAMT-related conditions. ClinVar contains an entry for this variant (Variation ID: 850261). For these reasons, this variant has been classified as Pathogenic.

Natera, Inc.
Classification: Likely pathogenic for Guanidinoacetate methyltransferase deficiency. Last evaluated: 2025-04-02. Review status: criteria provided, single submitter. Criteria: Natera Variant Classification Schema (03/2026). Collection method: clinical testing. Allele origin: germline.
Comment: The c.24delC variant in GAMT is a frameshift variant predicted to shift the reading frame beginning at codon 9 and leads to a stop codon 33 codons downstream. This variant is expected to result in nonsense mediated decay, truncation, or a dysfunctional protein product. This variant is rare in the general population with a frequency below the threshold expected for the associated phenotype(s). Given the available evidence, this variant is classified as Likely Pathogenic.

Women's Health and Genetics/Laboratory Corporation of America, LabCorp
Classification: Pathogenic for Deficiency of guanidinoacetate methyltransferase. Last evaluated: 2024-07-31. Review status: criteria provided, single submitter. Criteria: LabCorp Variant Classification Summary - May 2015. Collection method: clinical testing. Allele origin: germline.
Comment: Variant summary: GAMT c.24delC (p.Ile9SerfsX33) results in a premature termination codon, predicted to cause a truncation of the encoded protein or absence of the protein due to nonsense mediated decay, which are commonly known mechanisms for disease. The variant allele was found at a frequency of 1.1e-05 in 1397200 control chromosomes. This frequency is not significantly higher than estimated for a pathogenic variant in GAMT causing Cerebral Creatine Deficiency Syndrome 2 (1.1e-05 vs 0.0011). To our knowledge, no occurrence of c.24delC in individuals affected with GAMT-related conditions and no experimental evidence demonstrating its impact on protein function have been reported. ClinVar contains an entry for this variant (Variation ID: 850261). Based on the evidence outlined above, the variant was classified as pathogenic.

PreventionGenetics, part of Exact Sciences
Classification: Likely pathogenic for GAMT-related condition. Last evaluated: 2023-07-31. Review status: criteria provided, single submitter. Criteria: ACMG Guidelines, 2015. Collection method: clinical testing. Allele origin: germline.
Comment: The GAMT c.24delC variant is predicted to result in a frameshift and premature protein termination (p.Ile9Serfs*33). To our knowledge, this variant has not been reported in the literature. This variant is reported in 0.021% of alleles in individuals of African descent in gnomAD. Frameshift variants in GAMT are expected to be pathogenic (see, for example, Item et al. 2004. PubMed ID: 15108290). In ClinVar, this variant is interpreted as pathogenic/likely pathogenic by multiple laboratories. This variant is interpreted as likely pathogenic.

Ambry Genetics
Classification: Pathogenic for Inborn genetic diseases. Last evaluated: 2017-07-28. Review status: criteria provided, single submitter. Criteria: Ambry Variant Classification Scheme 2023. Collection method: clinical testing. Allele origin: germline.
Comment: The c.24delC pathogenic mutation, located in coding exon 1 of the GAMT gene, results from a deletion of one nucleotide at nucleotide position 24, causing a translational frameshift with a predicted alternate stop codon (p.I9Sfs*33). This alteration is expected to result in loss of function by premature protein truncation or nonsense-mediated mRNA decay. As such, this alteration is interpreted as a disease-causing mutation.

Literature cited by the submitters: PubMed 15108290 (cited by Labcorp Genetics (formerly Invitae), Labcorp).